The following is an entry in ClinVar:

ClinVar aggregate classification (germline): Likely benign (1 of 4 stars; one submission).

Submission:

CeGaT Center for Human Genetics Tuebingen
Classification: Likely benign. Last evaluated: 2022-03-01. Review status: criteria provided, single submitter. Criteria: CeGaT Center For Human Genetics Tuebingen Variant Classification Criteria Version 2. Collection method: clinical testing. Allele origin: germline. Affected: yes. Observed: 1 variant allele.
Comment: FOXC1: PM2:Supporting, BP4, BP7

NM_001453.3(FOXC1):c.1257G>C (p.Ala419=)

Gene: FOXC1 (forkhead box C1; plus strand). Cytogenetic location: 6p25.3.
Variant type: single nucleotide variant.
Coding change: c.1257G>C on transcript NM_001453.3 (MANE Select); coding-DNA position 1257, G replaced by C.
Protein change: p.Ala419=; no amino-acid change (alanine 419 retained).
Molecular consequence: synonymous variant.
Genome position (GRCh38, 1-based): chr6:1,611,702, G>C. VCF-style: chr6-1611702-G-C. GRCh37 (hg19) VCF-style: chr6-1611937-G-C.
Identifiers: ClinVar variation 2656174 (VCV002656174.24), dbSNP rs2480506368, ClinGen allele CA448394342.